The following is an entry in ClinVar:

ClinVar aggregate classification (germline): Uncertain significance (1 of 4 stars; one submission).

Conditions:
Congenital myasthenic syndrome 5. Identifiers: Orphanet 590, MedGen C1864233, MONDO:0011281, OMIM 603034.

Allele frequency attached by ClinVar (database versions not stated): gnomAD 0.00001.
gnomAD v4.1: 3 of 1,598,788 alleles (0.00019%); highest among the groups gnomAD compares: African/African-American, 0.004%; no homozygotes.

Submission:

Labcorp Genetics (formerly Invitae), Labcorp
Classification: Uncertain significance for Congenital myasthenic syndrome 5. Last evaluated: 2020-01-17. Review status: criteria provided, single submitter. Criteria: Invitae Variant Classification Sherloc (09022015). Collection method: clinical testing. Allele origin: germline.
Comment: This sequence change falls in intron 6 of the COLQ gene. It does not directly change the encoded amino acid sequence of the COLQ protein, but it affects a nucleotide within the consensus splice site of the intron. This variant is not present in population databases (ExAC no frequency). This variant has not been reported in the literature in individuals with COLQ-related conditions. Nucleotide substitutions within the consensus splice site are a relatively common cause of aberrant splicing (PMID: 17576681, 9536098). Algorithms developed to predict the effect of sequence changes on RNA splicing suggest that this variant may disrupt the consensus splice site, but this prediction has not been confirmed by published transcriptional studies. In summary, the available evidence is currently insufficient to determine the role of this variant in disease. Therefore, it has been classified as a Variant of Uncertain Significance.

Literature cited by the submitters: PubMed 17576681; PubMed 9536098.

NM_005677.4(COLQ):c.465+5G>T

Gene: COLQ (collagen like tail subunit of asymmetric acetylcholinesterase; minus strand). Cytogenetic location: 3p25.1.
Variant type: single nucleotide variant.
Coding change: c.465+5G>T on transcript NM_005677.4 (MANE Select); 5 bases into the intron after coding-DNA position 465, G replaced by T.
Molecular consequence: intron variant.
Genome position (GRCh38, 1-based): chr3:15,477,121, C>A on the plus strand (G>T on the coding strand, the complement: COLQ is on the minus strand). VCF-style: chr3-15477121-C-A. GRCh37 (hg19) VCF-style: chr3-15518628-C-A.
Other names: c.363+5G>T (NM_080539.4); c.435+5G>T (NM_080538.2).
Identifiers: ClinVar variation 937616 (VCV000937616.5), dbSNP rs1384588788, ClinGen allele CA1045360710.
Genomic context (GRCh38, chr3:15,477,121, plus strand): 5'-AAAGCTGCCATCTTCCCCCCTCTTGTTTTGACACCGCATGAGCCCTGAGAGCATGCCACA[C>A]TTACCCTGGGTCCTTCAGGGCCTGGCCAACCGATGGGCCCAGGCATGCCAGGAACACCTG-3'